The following is an entry in ClinVar:

NM_138459.5(NUS1):c.540A>G (p.Gln180=)

Gene: NUS1 (NUS1 dehydrodolichyl diphosphate synthase subunit; plus strand). Cytogenetic location: 6q22.1.
Variant type: single nucleotide variant.
Coding change: c.540A>G on transcript NM_138459.5 (MANE Select); coding-DNA position 540, A replaced by G.
Protein change: p.Gln180=; no amino-acid change (glutamine 180 retained).
Molecular consequence: synonymous variant.
Genome position (GRCh38, 1-based): chr6:117,693,166, A>G. VCF-style: chr6-117693166-A-G. GRCh37 (hg19) VCF-style: chr6-118014329-A-G.
Identifiers: ClinVar variation 1991856 (VCV001991856.4), dbSNP rs758984555, ClinGen allele CA3977120.

ClinVar aggregate classification (germline): Uncertain significance (1 of 4 stars; one submission).

Conditions:
Congenital disorder of glycosylation, type Iaa. Also called: Congenital disorder of glycosylation, type 1aa. Identifiers: MedGen C4310727, MONDO:0014904, OMIM 617082.

Allele frequency attached by ClinVar (database versions not stated): gnomAD exomes below 0.00001; ExAC 0.00001; gnomAD 0.00001; TOPMed 0.00003.
gnomAD v4.1: 3 of 1,612,212 alleles (0.00019%); highest among the groups gnomAD compares: African/African-American, 0.0027%; no homozygotes.

Submission:

Labcorp Genetics (formerly Invitae), Labcorp
Classification: Uncertain significance for Congenital disorder of glycosylation, type Iaa. Last evaluated: 2025-01-11. Review status: criteria provided, single submitter. Criteria: Invitae Variant Classification Sherloc (09022015). Collection method: clinical testing. Allele origin: germline.
Comment: This sequence change affects codon 180 of the NUS1 mRNA. It is a 'silent' change, meaning that it does not change the encoded amino acid sequence of the NUS1 protein. It affects a nucleotide within the consensus splice site. This variant is present in population databases (rs758984555, gnomAD 0.007%). This variant has not been reported in the literature in individuals affected with NUS1-related conditions. ClinVar contains an entry for this variant (Variation ID: 1991856). Algorithms developed to predict the effect of sequence changes on RNA splicing suggest that this variant is not likely to affect RNA splicing. In summary, the available evidence is currently insufficient to determine the role of this variant in disease. Therefore, it has been classified as a Variant of Uncertain Significance.